The following is an entry in ClinVar:

ClinVar aggregate classification (germline): Benign/Likely benign. Review status: criteria provided, multiple submitters, no conflicts (2 of 4 stars). 2 submissions from 2 submitters: Benign (1); Likely benign (1). Last evaluated 2025-12-02.

Allele frequency attached by ClinVar (database versions not stated): ExAC 0.00014; ESP Exome Variant Server 0.00015; 1000 Genomes Project 30x 0.00016; TOPMed 0.00016; gnomAD exomes 0.00017; gnomAD 0.00019 and 0.00021; 1000 Genomes Project 0.00020.

Submissions (2):

Women's Health and Genetics/Laboratory Corporation of America, LabCorp
Classification: Benign. Last evaluated: 2025-12-02. Review status: criteria provided, single submitter. Criteria: LabCorp Variant Classification Summary - May 2015. Collection method: clinical testing. Allele origin: germline.

CeGaT Center for Human Genetics Tuebingen
Classification: Likely benign. Last evaluated: 2022-12-01. Review status: criteria provided, single submitter. Criteria: CeGaT Center For Human Genetics Tuebingen Variant Classification Criteria Version 2. Collection method: clinical testing. Allele origin: germline. Affected: yes. Observed: 2 variant alleles.
Comment: ATAD3A: BP4, BP7

NM_001170535.3(ATAD3A):c.1725A>G (p.Glu575=)

Gene: ATAD3A (ATPase family AAA domain containing 3A; plus strand). Cytogenetic location: 1p36.33.
Variant type: single nucleotide variant.
Coding change: c.1725A>G on transcript NM_001170535.3 (MANE Select); coding-DNA position 1725, A replaced by G.
Protein change: p.Glu575=; no amino-acid change (glutamic acid 575 retained).
Molecular consequence: synonymous variant.
Genome position (GRCh38, 1-based): chr1:1,534,036, A>G. VCF-style: chr1-1534036-A-G. GRCh37 (hg19) VCF-style: chr1-1469416-A-G.
Other names: c.1488A>G, p.Glu496= (NM_001170536.3); c.1869A>G, p.Glu623= (NM_018188.5).
Identifiers: ClinVar variation 806034 (VCV000806034.43), dbSNP rs147777956, ClinGen allele CA526564.